The following is an entry in ClinVar:

ClinVar aggregate classification (germline): Uncertain significance (1 of 4 stars; one submission).

Conditions:
Granulomatous disease, chronic, autosomal recessive, cytochrome b-positive, type 3. Also called: GRANULOMATOUS DISEASE, CHRONIC, AUTOSOMAL RECESSIVE, 3; CGD, AUTOSOMAL RECESSIVE CYTOCHROME b-POSITIVE, TYPE III; GRANULOMATOUS DISEASE, CHRONIC, DUE TO NCF4 DEFICIENCY; Granulomatous disease, chronic, autosomal recessive, cytochrome b-positive, type III. Identifiers: Orphanet 379, MedGen C3151409, MONDO:0013507, OMIM 613960.

Allele frequency attached by ClinVar (database versions not stated): gnomAD 0.00001 and 0.00002; TOPMed 0.00001; gnomAD exomes 0.00003 and 0.00005; ExAC 0.00007.
gnomAD v4.1: 46 of 1,614,052 alleles (0.0028%); highest among the groups gnomAD compares: South Asian, 0.027%; 1 homozygote.

Submission:

Labcorp Genetics (formerly Invitae), Labcorp
Classification: Uncertain significance for Granulomatous disease, chronic, autosomal recessive, cytochrome b-positive, type 3. Last evaluated: 2022-09-06. Review status: criteria provided, single submitter. Criteria: Invitae Variant Classification Sherloc (09022015). Collection method: clinical testing. Allele origin: germline.
Comment: This sequence change replaces alanine, which is neutral and non-polar, with threonine, which is neutral and polar, at codon 102 of the NCF4 protein (p.Ala102Thr). This variant is present in population databases (rs763938344, gnomAD 0.03%). This variant has not been reported in the literature in individuals affected with NCF4-related conditions. ClinVar contains an entry for this variant (Variation ID: 857766). Algorithms developed to predict the effect of missense changes on protein structure and function are either unavailable or do not agree on the potential impact of this missense change (SIFT: "Deleterious"; PolyPhen-2: "Probably Damaging"; Align-GVGD: "Class C0"). In summary, the available evidence is currently insufficient to determine the role of this variant in disease. Therefore, it has been classified as a Variant of Uncertain Significance.

NM_000631.5(NCF4):c.304G>A (p.Ala102Thr)

Genes: NCF4 (neutrophil cytosolic factor 4; plus strand), NCF4-AS1 (NCF4 antisense RNA 1; minus strand). Cytogenetic location: 22q12.3.
Variant type: single nucleotide variant.
Coding change: c.304G>A on transcript NM_000631.5 (MANE Select); coding-DNA position 304, G replaced by A.
Protein change: p.Ala102Thr; replaces alanine 102 with threonine.
Molecular consequence: missense variant.
Genome position (GRCh38, 1-based): chr22:36,867,424, G>A. VCF-style: chr22-36867424-G-A. GRCh37 (hg19) VCF-style: chr22-37263466-G-A.
Other names: c.304G>A, p.Ala102Thr (NM_013416.4); short protein forms A102T.
Identifiers: ClinVar variation 857766 (VCV000857766.7), dbSNP rs763938344, ClinGen allele CA10212933.